The following is an entry in ClinVar:

ClinVar aggregate classification (germline): Uncertain significance (1 of 4 stars; one submission).

Conditions:
Rubinstein-Taybi syndrome due to EP300 haploinsufficiency. Also called: EP300-Related Rubinstein-Taybi Syndrome; RUBINSTEIN-TAYBI SYNDROME 2. Identifiers: Orphanet 353284, Orphanet 783, MedGen C3150941, MONDO:0013364, OMIM 613684.

Submission:

Labcorp Genetics (formerly Invitae), Labcorp
Classification: Uncertain significance for Rubinstein-Taybi syndrome due to EP300 haploinsufficiency. Last evaluated: 2023-09-30. Review status: criteria provided, single submitter. Criteria: Invitae Variant Classification Sherloc (09022015). Collection method: clinical testing. Allele origin: germline.
Comment: This variant is not present in population databases (gnomAD no frequency). This variant has not been reported in the literature in individuals affected with EP300-related conditions. Advanced modeling of protein sequence and biophysical properties (such as structural, functional, and spatial information, amino acid conservation, physicochemical variation, residue mobility, and thermodynamic stability) performed at Invitae indicates that this missense variant is not expected to disrupt EP300 protein function. In summary, the available evidence is currently insufficient to determine the role of this variant in disease. Therefore, it has been classified as a Variant of Uncertain Significance. This sequence change replaces valine, which is neutral and non-polar, with methionine, which is neutral and non-polar, at codon 1905 of the EP300 protein (p.Val1905Met).

NM_001429.4(EP300):c.5713G>A (p.Val1905Met)

Gene: EP300 (EP300 lysine acetyltransferase; plus strand). Cytogenetic location: 22q13.2.
Variant type: single nucleotide variant.
Coding change: c.5713G>A on transcript NM_001429.4 (MANE Select); coding-DNA position 5713, G replaced by A.
Protein change: p.Val1905Met; replaces valine 1905 with methionine.
Molecular consequence: missense variant.
Genome position (GRCh38, 1-based): chr22:41,177,424, G>A. VCF-style: chr22-41177424-G-A. GRCh37 (hg19) VCF-style: chr22-41573428-G-A.
Other names: c.5635G>A, p.Val1879Met (NM_001362843.2); short protein forms V1879M, V1905M.
Identifiers: ClinVar variation 2995899 (VCV002995899.3), dbSNP rs2059207559, ClinGen allele CA411709704.